The following is an entry in ClinVar:

NM_006361.6(HOXB13):c.163G>A (p.Gly55Ser)

Gene: HOXB13 (homeobox B13; minus strand). Cytogenetic location: 17q21.32.
Variant type: single nucleotide variant.
Coding change: c.163G>A on transcript NM_006361.6 (MANE Select); coding-DNA position 163, G replaced by A.
Protein change: p.Gly55Ser; replaces glycine 55 with serine.
Molecular consequence: missense variant.
Genome position (GRCh38, 1-based): chr17:48,728,431, C>T on the plus strand (G>A on the coding strand, the complement: HOXB13 is on the minus strand). VCF-style: chr17-48728431-C-T. GRCh37 (hg19) VCF-style: chr17-46805793-C-T.
Other names: c.163G>A (NM_006361.5); short protein forms G55S.
Identifiers: ClinVar variation 1403907 (VCV001403907.8), dbSNP rs1484636342, ClinGen allele CA400109036.

ClinVar aggregate classification (germline): Conflicting classifications of pathogenicity. Review status: criteria provided, conflicting classifications (1 of 4 stars). 2 submissions from 2 submitters: Uncertain significance (1); Likely benign (1). Last evaluated 2025-10-03.

Conditions:
Hereditary cancer-predisposing syndrome. Also called: Hereditary neoplastic syndrome; Hereditary Cancer Syndrome; Neoplastic Syndromes, Hereditary; Tumor predisposition. Identifiers: Orphanet 140162, MedGen C0027672, MeSH D009386, MONDO:0015356.

Allele frequency attached by ClinVar (database versions not stated): TOPMed below 0.00001.

Submissions (2):

Ambry Genetics
Classification: Likely benign for Hereditary cancer-predisposing syndrome. Last evaluated: 2025-10-03. Review status: criteria provided, single submitter. Criteria: Ambry Variant Classification Scheme 2023. Collection method: clinical testing. Allele origin: germline.

Labcorp Genetics (formerly Invitae), Labcorp
Classification: Uncertain significance. Last evaluated: 2023-10-04. Review status: criteria provided, single submitter. Criteria: Invitae Variant Classification Sherloc (09022015). Collection method: clinical testing. Allele origin: germline.
Comment: This sequence change replaces glycine, which is neutral and non-polar, with serine, which is neutral and polar, at codon 55 of the HOXB13 protein (p.Gly55Ser). This variant is not present in population databases (gnomAD no frequency). This variant has not been reported in the literature in individuals affected with HOXB13-related conditions. ClinVar contains an entry for this variant (Variation ID: 1403907). An algorithm developed to predict the effect of missense changes on protein structure and function (PolyPhen-2) suggests that this variant is likely to be disruptive. In summary, the available evidence is currently insufficient to determine the role of this variant in disease. Therefore, it has been classified as a Variant of Uncertain Significance.